The following is an entry in ClinVar:

NM_005993.5(TBCD):c.2368C>T (p.Arg790Trp)

Gene: TBCD (tubulin folding cofactor D). Cytogenetic location: 17q25.3.
Variant type: single nucleotide variant.
Coding change: c.2368C>T on transcript NM_005993.5 (MANE Select); coding-DNA position 2368, C replaced by T.
Protein change: p.Arg790Trp; replaces arginine 790 with tryptophan.
Molecular consequence: missense variant.
Genome position (GRCh38, 1-based): chr17:82,925,046, C>T. VCF-style: chr17-82925046-C-T. GRCh37 (hg19) VCF-style: chr17-80882922-C-T.
Other names: c.2368C>T (NM_005993.4); short protein forms R790W.
Identifiers: ClinVar variation 1394140 (VCV001394140.34), dbSNP rs200557085, ClinGen allele CA8863024.

ClinVar aggregate classification (germline): Conflicting classifications of pathogenicity. Review status: criteria provided, conflicting classifications (1 of 4 stars). 4 submissions from 4 submitters: Uncertain significance (2); Likely benign (2). Last evaluated 2025-08-02.

Conditions:
Inborn genetic diseases. Identifiers: MedGen C0950123, MeSH D030342.

Allele frequency attached by ClinVar (database versions not stated): ESP Exome Variant Server 0.00008; gnomAD exomes 0.00010; gnomAD 0.00012 and 0.00014; TOPMed 0.00015; ExAC 0.00017; 1000 Genomes Project 30x 0.00047; 1000 Genomes Project 0.00060.
gnomAD v4.1: 108 of 1,556,350 alleles (0.0069%); highest among the groups gnomAD compares: African/African-American, 0.042%; no homozygotes.

Submissions (4):

Ambry Genetics
Classification: Uncertain significance for Inborn genetic diseases. Last evaluated: 2025-08-02. Review status: criteria provided, single submitter. Criteria: Ambry Variant Classification Scheme 2023. Collection method: clinical testing. Allele origin: germline.

Labcorp Genetics (formerly Invitae), Labcorp
Classification: Likely benign. Last evaluated: 2025-07-23. Review status: criteria provided, single submitter. Criteria: Invitae Variant Classification Sherloc (09022015). Collection method: clinical testing. Allele origin: germline.

GeneDx
Classification: Uncertain significance. Last evaluated: 2022-07-27. Review status: criteria provided, single submitter. Criteria: GeneDx Variant Classification Process June 2021. Collection method: clinical testing. Allele origin: germline. Affected: yes.
Comment: In silico analysis supports that this missense variant has a deleterious effect on protein structure/function; Has not been previously published as pathogenic or benign to our knowledge

CeGaT Center for Human Genetics Tuebingen
Classification: Likely benign. Last evaluated: 2022-06-01. Review status: criteria provided, single submitter. Criteria: CeGaT Center For Human Genetics Tuebingen Variant Classification Criteria Version 2. Collection method: clinical testing. Allele origin: germline. Affected: yes. Observed: 1 variant allele.
Comment: TBCD: BP4